The following is an entry in ClinVar:

NM_000304.4(PMP22):c.-6G>T

Gene: PMP22 (peripheral myelin protein 22; minus strand). Cytogenetic location: 17p12.
Variant type: single nucleotide variant.
Coding change: c.-6G>T on transcript NM_000304.4 (MANE Select); 6 bases upstream of the start codon, G replaced by T.
Molecular consequence: 5 prime UTR variant.
Genome position (GRCh38, 1-based): chr17:15,260,733, C>A on the plus strand (G>T on the coding strand, the complement: PMP22 is on the minus strand). VCF-style: chr17-15260733-C-A. GRCh37 (hg19) VCF-style: chr17-15164050-C-A.
Other names: c.-6G>T (NM_001281455.2, NM_001281456.2, NM_001330143.2 and 3 more transcripts).
Identifiers: ClinVar variation 1297912 (VCV001297912.34), dbSNP rs369779295, ClinGen allele CA8403459.

ClinVar aggregate classification (germline): Benign/Likely benign. Review status: criteria provided, multiple submitters, no conflicts (2 of 4 stars). 3 submissions from 3 submitters: Benign (1); Likely benign (2). Last evaluated 2025-07-16.

Conditions:
PMP22-related disorder. Also called: PMP22-related condition; PMP22-related disorders.

Allele frequency attached by ClinVar (database versions not stated): gnomAD exomes 0.00007 and 0.00022; ExAC 0.00049; 1000 Genomes Project 30x 0.00062; 1000 Genomes Project 0.00100; gnomAD 0.00103 and 0.00113; TOPMed 0.00110; ESP Exome Variant Server 0.00142.
gnomAD v4.1: 262 of 1,551,972 alleles (0.017%); highest among the groups gnomAD compares: African/African-American, 0.29%; no homozygotes.

Submissions (3):

PreventionGenetics, part of Exact Sciences
Classification: Likely benign for PMP22-related condition. Last evaluated: 2025-07-16. Review status: criteria provided, single submitter. Criteria: ACMG Guidelines, 2015. Collection method: clinical testing. Allele origin: germline.
Comment: This variant is classified as likely benign based on ACMG/AMP sequence variant interpretation guidelines (Richards et al. 2015 PMID: 25741868, with internal and published modifications).

CeGaT Center for Human Genetics Tuebingen
Classification: Likely benign. Last evaluated: 2022-05-01. Review status: criteria provided, single submitter. Criteria: CeGaT Center For Human Genetics Tuebingen Variant Classification Criteria Version 2. Collection method: clinical testing. Allele origin: germline. Affected: yes. Observed: 2 variant alleles.
Comment: PMP22: BP4

GeneDx
Classification: Benign. Last evaluated: 2021-05-18. Review status: criteria provided, single submitter. Criteria: GeneDx Variant Classification Process June 2021. Collection method: clinical testing. Allele origin: germline. Affected: yes.